The following is an entry in ClinVar:

NM_017617.5(NOTCH1):c.2903C>T (p.Thr968Met)

Gene: NOTCH1 (notch receptor 1; minus strand). Cytogenetic location: 9q34.3.
Variant type: single nucleotide variant.
Coding change: c.2903C>T on transcript NM_017617.5 (MANE Select); coding-DNA position 2903, C replaced by T.
Protein change: p.Thr968Met; replaces threonine 968 with methionine.
Molecular consequence: missense variant.
Genome position (GRCh38, 1-based): chr9:136,509,799, G>A on the plus strand (C>T on the coding strand, the complement: NOTCH1 is on the minus strand). VCF-style: chr9-136509799-G-A. GRCh37 (hg19) VCF-style: chr9-139404251-G-A.
Other names: c.2903C>T (NM_017617.3, NM_017617.4); short protein forms T968M.
Identifiers: ClinVar variation 1494610 (VCV001494610.8), dbSNP rs781201059, ClinGen allele CA5341117.

ClinVar aggregate classification (germline): Conflicting classifications of pathogenicity. Review status: criteria provided, conflicting classifications (1 of 4 stars). 3 submissions from 3 submitters: Uncertain significance (2); Likely benign (1). Last evaluated 2025-09-06.

Conditions:
NOTCH1-related disorder. Also called: NOTCH1-related condition; NOTCH1-related disorders.
Adams-Oliver syndrome 5 (AOS5). Identifiers: Orphanet 974, MedGen C4014970, MONDO:0014459, OMIM 616028.
Familial thoracic aortic aneurysm and aortic dissection (TAAD). Also called: Thoracic aortic aneurysms and dissections. Identifiers: Orphanet 91387, MedGen C4707243, MONDO:0019625.

Allele frequency attached by ClinVar (database versions not stated): ExAC 0.00001; gnomAD exomes 0.00001 and 0.00002; TOPMed 0.00001; gnomAD 0.00002.
gnomAD v4.1: 33 of 1,613,026 alleles (0.002%); highest among the groups gnomAD compares: Non-Finnish European, 0.0025%; no homozygotes.

Submissions (3):

Labcorp Genetics (formerly Invitae), Labcorp
Classification: Likely benign for Adams-Oliver syndrome 5. Last evaluated: 2025-09-06. Review status: criteria provided, single submitter. Criteria: Invitae Variant Classification Sherloc (09022015). Collection method: clinical testing. Allele origin: germline.

PreventionGenetics, part of Exact Sciences
Classification: Uncertain significance for NOTCH1-related condition. Last evaluated: 2023-10-02. Review status: criteria provided, single submitter. Criteria: ACMG Guidelines, 2015. Collection method: clinical testing. Allele origin: germline.
Comment: The NOTCH1 c.2903C>T variant is predicted to result in the amino acid substitution p.Thr968Met. To our knowledge, this variant has not been reported in the literature. This variant is reported in 0.0041% of alleles in individuals of African descent in gnomAD. At this time, the clinical significance of this variant is uncertain due to the absence of conclusive functional and genetic evidence.

Ambry Genetics
Classification: Uncertain significance for Familial thoracic aortic aneurysm and aortic dissection. Last evaluated: 2023-09-11. Review status: criteria provided, single submitter. Criteria: Ambry Variant Classification Scheme 2023. Collection method: clinical testing. Allele origin: germline.
Comment: The p.T968M variant (also known as c.2903C>T), located in coding exon 18 of the NOTCH1 gene, results from a C to T substitution at nucleotide position 2903. The threonine at codon 968 is replaced by methionine, an amino acid with similar properties. This amino acid position is conserved. In addition, the in silico prediction for this alteration is inconclusive. Since supporting evidence is limited at this time, the clinical significance of this alteration remains unclear.